The following is an entry in ClinVar:

ClinVar aggregate classification (germline): Pathogenic. Review status: criteria provided, single submitter (1 of 4 stars). 2 submissions from 2 submitters: Pathogenic (1). 1 of the submissions does not count toward it. Last evaluated 2021-12-11.

Conditions:
Ornithine carbamoyltransferase deficiency (OTCD). Also called: Ornithine Carbamoyltransferase Deficiency Disease; ORNITHINE TRANSCARBAMYLASE DEFICIENCY; ORNITHINE TRANSCARBAMYLASE DEFICIENCY, HYPERAMMONEMIA DUE TO; OTC DEFICIENCY. Identifiers: Orphanet 664, MedGen C0268542, MONDO:0010703, OMIM 311250.

Submissions (2):

Labcorp Genetics (formerly Invitae), Labcorp
Classification: Pathogenic for Ornithine carbamoyltransferase deficiency. Last evaluated: 2021-12-11. Review status: criteria provided, single submitter. Criteria: Invitae Variant Classification Sherloc (09022015). Collection method: clinical testing. Allele origin: germline.
Comment: For these reasons, this variant has been classified as Pathogenic. Advanced modeling of protein sequence and biophysical properties (such as structural, functional, and spatial information, amino acid conservation, physicochemical variation, residue mobility, and thermodynamic stability) performed at Invitae indicates that this missense variant is expected to disrupt OTC protein function. ClinVar contains an entry for this variant (Variation ID: 97113). This missense change has been observed in individual(s) with ornithine transcarbamylase deficiency (PMID: 9266388, 24199608; Invitae). This variant is not present in population databases (gnomAD no frequency). This sequence change replaces asparagine, which is neutral and polar, with isoleucine, which is neutral and non-polar, at codon 47 of the OTC protein (p.Asn47Ile).

GenMed Metabolism Lab
Classification: Pathogenic. Review status: no assertion criteria provided. Collection method: not provided. Allele origin: unknown. Not counted in ClinVar's aggregate classification.
Comment: p.Asn47Ile, Neonatal
ClinVar note: Converted during submission from pathogenic to Pathogenic.

Literature cited by the submitters: PubMed 9266388 (cited by Labcorp Genetics (formerly Invitae), Labcorp); PubMed 24199608 (cited by Labcorp Genetics (formerly Invitae), Labcorp).

NM_000531.6(OTC):c.140A>T (p.Asn47Ile)

Gene: OTC (ornithine transcarbamylase; plus strand). Cytogenetic location: Xp11.4.
Variant type: single nucleotide variant.
Coding change: c.140A>T on transcript NM_000531.6 (MANE Select); coding-DNA position 140, A replaced by T.
Protein change: p.Asn47Ile; replaces asparagine 47 with isoleucine.
Molecular consequence: missense variant.
Genome position (GRCh38, 1-based): chrX:38,367,353, A>T. VCF-style: chrX-38367353-A-T. GRCh37 (hg19) VCF-style: chrX-38226606-A-T.
Other names: short protein forms N47I.
Identifiers: ClinVar variation 97113 (VCV000097113.8), dbSNP rs67939655, ClinGen allele CA224465.